The following is an entry in ClinVar:

ClinVar aggregate classification (germline): Uncertain significance. Review status: criteria provided, multiple submitters, no conflicts (2 of 4 stars). 2 submissions from 2 submitters: Uncertain significance (2). Last evaluated 2025-09-30.

Conditions:
Epidermolysis bullosa simplex 5C, with pyloric atresia (EBS5C). Also called: PLEC1-Related Epidermolysis Bullosa with Pyloric Atresia; Epidermolysis bullosa simplex with pyloric atresia; PLEC-Related Epidermolysis Bullosa with Pyloric Atresia. Identifiers: Orphanet 158684, MedGen C2677349, MONDO:0012807, OMIM 612138.
Autosomal recessive limb-girdle muscular dystrophy type 2Q (LGMDR17). Also called: MUSCULAR DYSTROPHY, LIMB-GIRDLE, AUTOSOMAL RECESSIVE 17. Identifiers: Orphanet 254361, MedGen C3150989, MONDO:0013390, OMIM 613723.
Epidermolysis bullosa simplex with nail dystrophy (EBS5D). Identifiers: MedGen C4225309, MONDO:0014661, OMIM 616487.
Epidermolysis bullosa simplex 5B, with muscular dystrophy (EBS5B). Also called: Epidermolysis bullosa simplex with muscular dystrophy; EPIDERMOLYSIS BULLOSA SIMPLEX AND LIMB-GIRDLE MUSCULAR DYSTROPHY. Identifiers: Orphanet 257, MedGen C2931072, MONDO:0009181, OMIM 226670.
Epidermolysis bullosa simplex, Ogna type (EBS5A). Also called: EPIDERMOLYSIS BULLOSA SIMPLEX 5A, OGNA TYPE; Pidermolysis bullosa simplex 5A, Ogna type. Identifiers: Orphanet 79401, MedGen C0432317, MONDO:0007555, OMIM 131950.
Inborn genetic diseases. Identifiers: MedGen C0950123, MeSH D030342.

Allele frequency attached by ClinVar (database versions not stated): gnomAD 0.00001; TOPMed 0.00001; ExAC 0.00002; gnomAD exomes 0.00002.
gnomAD v4.1: 30 of 1,612,876 alleles (0.0019%); highest among the groups gnomAD compares: South Asian, 0.0066%; no homozygotes.

Submissions (2):

Labcorp Genetics (formerly Invitae), Labcorp
Classification: Uncertain significance for Autosomal recessive limb-girdle muscular dystrophy type 2Q; Epidermolysis bullosa simplex, Ogna type; Epidermolysis bullosa simplex with nail dystrophy; Epidermolysis bullosa simplex 5C, with pyloric atresia; Epidermolysis bullosa simplex 5B, with muscular dystrophy. Last evaluated: 2025-09-30. Review status: criteria provided, single submitter. Criteria: Invitae Variant Classification Sherloc (09022015). Collection method: clinical testing. Allele origin: germline.
Comment: This sequence change replaces alanine, which is neutral and non-polar, with valine, which is neutral and non-polar, at codon 3996 of the PLEC protein (p.Ala3996Val). This variant is present in population databases (rs782096389, gnomAD 0.006%). This variant has not been reported in the literature in individuals affected with PLEC-related conditions. ClinVar contains an entry for this variant (Variation ID: 841706). Invitae Evidence Modeling of protein sequence and biophysical properties (such as structural, functional, and spatial information, amino acid conservation, physicochemical variation, residue mobility, and thermodynamic stability) indicates that this missense variant is expected to disrupt PLEC protein function with a positive predictive value of 80%. In summary, the available evidence is currently insufficient to determine the role of this variant in disease. Therefore, it has been classified as a Variant of Uncertain Significance.

Ambry Genetics
Classification: Uncertain significance for Inborn genetic diseases. Last evaluated: 2025-06-10. Review status: criteria provided, single submitter. Criteria: Ambry Variant Classification Scheme 2023. Collection method: clinical testing. Allele origin: germline.

NM_201384.3(PLEC):c.11906C>T (p.Ala3969Val)

Gene: PLEC (plectin; minus strand). Cytogenetic location: 8q24.3.
Variant type: single nucleotide variant.
Coding change: c.11906C>T on transcript NM_201384.3 (MANE Select); coding-DNA position 11906, C replaced by T.
Protein change: p.Ala3969Val; replaces alanine 3969 with valine.
Molecular consequence: missense variant.
Genome position (GRCh38, 1-based): chr8:143,917,915, G>A on the plus strand (C>T on the coding strand, the complement: PLEC is on the minus strand). VCF-style: chr8-143917915-G-A. GRCh37 (hg19) VCF-style: chr8-144992083-G-A.
Other names: c.11987C>T (NM_000445.3); c.11987C>T, p.Ala3996Val (NM_000445.5); c.11864C>T, p.Ala3955Val (NM_201378.4); c.11840C>T, p.Ala3947Val (NM_201379.3); c.12317C>T, p.Ala4106Val (NM_201380.4); c.11810C>T, p.Ala3937Val (NM_201381.3); c.11906C>T, p.Ala3969Val (NM_201382.4); c.11918C>T, p.Ala3973Val (NM_201383.3); short protein forms A3955V, A3969V, A3937V, A3973V, A3996V, A4106V, A3947V.
Identifiers: ClinVar variation 841706 (VCV000841706.8), dbSNP rs782096389, ClinGen allele CA4924222.